The following is an entry in ClinVar:

NM_017777.3(MKS1):c.-34_-12del23

Genes: MKS1 (MKS transition zone complex subunit 1; minus strand), LOC130061271 (ATAC-STARR-seq lymphoblastoid active region 12461; plus strand). Cytogenetic location: 17q22.
Variant type: Deletion.
Coding change: c.-34_-12del23 on transcript NM_017777.3; 34 bases upstream of the start codon through 12 bases upstream of the start codon, 23 bases deleted (CTTTCCGGCGCAGTCGCGGCGCG).
Genome position (GRCh38, 1-based): chr17:58,219,242-58,219,264, CGCGCCGCGACTGCGCCGGAAAG deleted on the plus strand (CTTTCCGGCGCAGTCGCGGCGCG on the coding strand, the reverse complement: MKS1 is on the minus strand); deleting any 23 consecutive bases within chr17:58,219,242-58,219,272 gives the same sequence; the c. name uses the placement nearest the transcript's 3' end. VCF-style (leftmost placement, unchanged base first): chr17-58219241-ACGCGCCGCGACTGCGCCGGAAAG-A. GRCh37 (hg19) VCF-style: chr17-56296602-ACGCGCCGCGACTGCGCCGGAAAG-A.
Other names: NM_001165927.1:c.50+198_50+220del23.
Identifiers: ClinVar variation 557821 (VCV000557821.5), dbSNP rs1244307754, ClinGen allele CA626731413.

ClinVar aggregate classification (germline): Conflicting classifications of pathogenicity. Review status: no assertion criteria provided (0 of 4 stars). 2 submissions from 2 submitters: Uncertain significance (1); Likely benign (1). Last evaluated 2023-04-27.

Conditions:
MKS1-related disorder. Also called: MKS1-related condition; MKS1-related disorders. Identifiers: MedGen CN239382.
Bardet-Biedl syndrome 13 (BBS13). Identifiers: Orphanet 110, MedGen C2673873, MONDO:0014441, OMIM 615990.
Meckel syndrome, type 1 (MKS1). Also called: MECKEL-GRUBER SYNDROME, TYPE 1. Identifiers: Orphanet 564, MedGen C3714506, MONDO:0009571, OMIM 249000.
Joubert syndrome 28 (JBTS28). Identifiers: MedGen C4310705, MONDO:0014928, OMIM 617121.

Submissions (2):

PreventionGenetics, part of Exact Sciences
Classification: Likely benign for MKS1-related condition. Last evaluated: 2023-04-27. Review status: no assertion criteria provided. Collection method: clinical testing. Allele origin: germline.
Comment: This variant is classified as likely benign based on ACMG/AMP sequence variant interpretation guidelines (Richards et al. 2015 PMID: 25741868, with internal and published modifications).

Counsyl
Classification: Uncertain significance for Meckel syndrome, type 1; Bardet-Biedl syndrome 13; Joubert syndrome 28. Last evaluated: 2018-04-09. Review status: no assertion criteria provided. Collection method: clinical testing. Allele origin: unknown.